The following is an entry in ClinVar:

ClinVar aggregate classification (germline): Uncertain significance (1 of 4 stars; one submission).

gnomAD v4.1: 7 of 1,613,470 alleles (0.00043%); highest among the groups gnomAD compares: Non-Finnish European, 0.00059%; no homozygotes.

Submission:

Labcorp Genetics (formerly Invitae), Labcorp
Classification: Uncertain significance. Last evaluated: 2025-12-15. Review status: criteria provided, single submitter. Criteria: Invitae Variant Classification Sherloc (09022015). Collection method: clinical testing. Allele origin: germline.
Comment: This sequence change replaces leucine, which is neutral and non-polar, with phenylalanine, which is neutral and non-polar, at codon 1564 of the HMCN1 protein (p.Leu1564Phe). This variant is present in population databases (no rsID available, gnomAD 0.0009%). This variant has not been reported in the literature in individuals affected with HMCN1-related conditions. An algorithm developed to predict the effect of missense changes on protein structure and function (PolyPhen-2) suggests that this variant is likely to be tolerated. In summary, the available evidence is currently insufficient to determine the role of this variant in disease. Therefore, it has been classified as a Variant of Uncertain Significance.

NM_031935.3(HMCN1):c.4690C>T (p.Leu1564Phe)

Gene: HMCN1 (hemicentin 1; plus strand). Cytogenetic location: 1q31.1.
Variant type: single nucleotide variant.
Coding change: c.4690C>T on transcript NM_031935.3 (MANE Select); coding-DNA position 4690, C replaced by T.
Protein change: p.Leu1564Phe; replaces leucine 1564 with phenylalanine.
Molecular consequence: missense variant.
Genome position (GRCh38, 1-based): chr1:186,015,218, C>T. VCF-style: chr1-186015218-C-T. GRCh37 (hg19) VCF-style: chr1-185984350-C-T.
Other names: short protein forms L1564F.
Identifiers: ClinVar variation 4779024 (VCV004779024.1).